The following is an entry in ClinVar:

NM_001429.4(EP300):c.5461C>A (p.Arg1821=)

Gene: EP300 (EP300 lysine acetyltransferase; plus strand). Cytogenetic location: 22q13.2.
Variant type: single nucleotide variant.
Coding change: c.5461C>A on transcript NM_001429.4 (MANE Select); coding-DNA position 5461, C replaced by A.
Protein change: p.Arg1821=; no amino-acid change (arginine 1821 retained).
Molecular consequence: synonymous variant.
Genome position (GRCh38, 1-based): chr22:41,177,172, C>A. VCF-style: chr22-41177172-C-A. GRCh37 (hg19) VCF-style: chr22-41573176-C-A.
Other names: c.5383C>A, p.Arg1795= (NM_001362843.2).
Identifiers: ClinVar variation 1282314 (VCV001282314.9), dbSNP rs780579609, ClinGen allele CA10253640.
Genomic context (GRCh38, chr22:41,177,172, plus strand): 5'-TGCCCGGTGCCGTTCTGCCTAAACATCAAGCAGAAGCTCCGGCAGCAACAGCTGCAGCAC[C>A]GACTACAGCAGGCCCAAATGCTTCGCAGGAGGATGGCCAGCATGCAGCGGACTGGTGTGG-3'
Protein context (NP_001420.2, residues 1811-1831): QKLRQQQLQH[Arg1821=]LQQAQMLRRR

ClinVar aggregate classification (germline): Benign/Likely benign. Review status: criteria provided, multiple submitters, no conflicts (2 of 4 stars). 4 submissions from 4 submitters: Benign (2); Likely benign (1). 1 of the submissions does not count toward it. Last evaluated 2024-06-23.

Conditions:
EP300-related disorder. Also called: EP300-related condition; EP300-related disorders.
Rubinstein-Taybi syndrome due to EP300 haploinsufficiency. Also called: RUBINSTEIN-TAYBI SYNDROME 2; EP300-Related Rubinstein-Taybi Syndrome. Identifiers: Orphanet 353284, Orphanet 783, MedGen C3150941, MONDO:0013364, OMIM 613684.

Allele frequency attached by ClinVar (database versions not stated): TOPMed 0.00006; ExAC 0.00009; gnomAD exomes 0.00011.
gnomAD v4.1: 29 of 1,614,110 alleles (0.0018%); highest among the groups gnomAD compares: Admixed American, 0.048%; no homozygotes.

Submissions (4):

Labcorp Genetics (formerly Invitae), Labcorp
Classification: Benign for Rubinstein-Taybi syndrome due to EP300 haploinsufficiency. Last evaluated: 2024-06-23. Review status: criteria provided, single submitter. Criteria: Invitae Variant Classification Sherloc (09022015). Collection method: clinical testing. Allele origin: germline.

GeneDx
Classification: Benign. Last evaluated: 2020-11-24. Review status: criteria provided, single submitter. Criteria: GeneDx Variant Classification Process June 2021. Collection method: clinical testing. Allele origin: germline. Affected: yes.

Blueprint Genetics
Classification: Likely benign. Last evaluated: 2020-02-13. Review status: criteria provided, single submitter. Criteria: ACMG Guidelines, 2015. Collection method: clinical testing. Allele origin: germline.

PreventionGenetics, part of Exact Sciences
Classification: Likely benign for EP300-related condition. Last evaluated: 2021-08-23. Review status: no assertion criteria provided. Collection method: clinical testing. Allele origin: germline. Not counted in ClinVar's aggregate classification.
Comment: This variant is classified as likely benign based on ACMG/AMP sequence variant interpretation guidelines (Richards et al. 2015 PMID: 25741868, with internal and published modifications).